The following is an entry in ClinVar:

NM_004380.3(CREBBP):c.6119T>C (p.Ile2040Thr)

Gene: CREBBP (CREB binding lysine acetyltransferase; minus strand). Cytogenetic location: 16p13.3.
Variant type: single nucleotide variant.
Coding change: c.6119T>C on transcript NM_004380.3 (MANE Select); coding-DNA position 6119, T replaced by C.
Protein change: p.Ile2040Thr; replaces isoleucine 2040 with threonine.
Molecular consequence: missense variant.
Genome position (GRCh38, 1-based): chr16:3,728,928, A>G on the plus strand (T>C on the coding strand, the complement: CREBBP is on the minus strand). VCF-style: chr16-3728928-A-G. GRCh37 (hg19) VCF-style: chr16-3778929-A-G.
Other names: c.6005T>C, p.Ile2002Thr (NM_001079846.1); short protein forms I2002T, I2040T.
Identifiers: ClinVar variation 1968546 (VCV001968546.5), dbSNP rs766580125, ClinGen allele CA394554182.

ClinVar aggregate classification (germline): Uncertain significance (1 of 4 stars; one submission).

Conditions:
Rubinstein-Taybi syndrome (RSTS). Identifiers: Orphanet 783, MedGen C0035934, MONDO:0019188.

Submission:

Labcorp Genetics (formerly Invitae), Labcorp
Classification: Uncertain significance for Rubinstein-Taybi syndrome. Last evaluated: 2022-08-10. Review status: criteria provided, single submitter. Criteria: Invitae Variant Classification Sherloc (09022015). Collection method: clinical testing. Allele origin: germline.
Comment: This variant is not present in population databases (gnomAD no frequency). In summary, the available evidence is currently insufficient to determine the role of this variant in disease. Therefore, it has been classified as a Variant of Uncertain Significance. Advanced modeling of protein sequence and biophysical properties (such as structural, functional, and spatial information, amino acid conservation, physicochemical variation, residue mobility, and thermodynamic stability) performed at Invitae indicates that this missense variant is not expected to disrupt CREBBP protein function. This variant has not been reported in the literature in individuals affected with CREBBP-related conditions. This sequence change replaces isoleucine, which is neutral and non-polar, with threonine, which is neutral and polar, at codon 2040 of the CREBBP protein (p.Ile2040Thr).